The following is an entry in ClinVar:

ClinVar aggregate classification (germline): Uncertain significance. Review status: criteria provided, multiple submitters, no conflicts (2 of 4 stars). 2 submissions from 2 submitters: Uncertain significance (2). Last evaluated 2024-12-22.

Conditions:
Dilated cardiomyopathy 1DD (CMD1DD). Identifiers: Orphanet 154, MedGen C2750995, MONDO:0013168, OMIM 613172.

Submissions (2):

GeneDx
Classification: Uncertain significance. Last evaluated: 2024-12-22. Review status: criteria provided, single submitter. Criteria: GeneDx Variant Classification Process June 2021. Collection method: clinical testing. Allele origin: germline. Affected: yes.
Comment: Not observed at significant frequency in large population cohorts (gnomAD); In silico analysis supports that this missense variant has a deleterious effect on protein structure/function; Has not been previously published as pathogenic or benign to our knowledge

Labcorp Genetics (formerly Invitae), Labcorp
Classification: Uncertain significance for Dilated cardiomyopathy 1DD. Last evaluated: 2021-08-05. Review status: criteria provided, single submitter. Criteria: Invitae Variant Classification Sherloc (09022015). Collection method: clinical testing. Allele origin: germline.
Comment: In summary, the available evidence is currently insufficient to determine the role of this variant in disease. Therefore, it has been classified as a Variant of Uncertain Significance. Advanced modeling of protein sequence and biophysical properties (such as structural, functional, and spatial information, amino acid conservation, physicochemical variation, residue mobility, and thermodynamic stability) performed at Invitae indicates that this missense variant is not expected to disrupt RBM20 protein function. This variant has not been reported in the literature in individuals with RBM20-related conditions. This variant is not present in population databases (ExAC no frequency). This sequence change replaces proline with leucine at codon 146 of the RBM20 protein (p.Pro146Leu). The proline residue is weakly conserved and there is a moderate physicochemical difference between proline and leucine.

NM_001134363.3(RBM20):c.437C>T (p.Pro146Leu)

Gene: RBM20 (RNA binding motif protein 20; plus strand). Cytogenetic location: 10q25.2.
Variant type: single nucleotide variant.
Coding change: c.437C>T on transcript NM_001134363.3 (MANE Select); coding-DNA position 437, C replaced by T.
Protein change: p.Pro146Leu; replaces proline 146 with leucine.
Molecular consequence: missense variant.
Genome position (GRCh38, 1-based): chr10:110,781,046, C>T. VCF-style: chr10-110781046-C-T. GRCh37 (hg19) VCF-style: chr10-112540804-C-T.
Other names: c.437C>T (NM_001134363.1); short protein forms P146L.
Identifiers: ClinVar variation 1499994 (VCV001499994.9), dbSNP rs2135041549, ClinGen allele CA378380306.